The following is an entry in ClinVar:

ClinVar aggregate classification (germline): Likely benign (1 of 4 stars; one submission).

gnomAD v4.1: 5 of 1,614,052 alleles (0.00031%); highest among the groups gnomAD compares: Middle Eastern, 0.016%; no homozygotes.

Submission:

Women's Health and Genetics/Laboratory Corporation of America, LabCorp
Classification: Likely benign. Last evaluated: 2025-02-10. Review status: criteria provided, single submitter. Criteria: LabCorp Variant Classification Summary - May 2015. Collection method: clinical testing. Allele origin: germline.
Comment: Variant summary: TWNK c.636G>T results in a synonymous change. Consensus agreement among computation tools predict no significant impact on normal splicing. However, these predictions have yet to be confirmed by functional studies. The variant was absent in 251476 control chromosomes (gnomAD). The available data on variant occurrences in the general population are insufficient to allow any conclusion about variant significance. To our knowledge, no occurrence of c.636G>T in individuals affected with Infantile Onset Spinocerebellar Ataxia and no experimental evidence demonstrating its impact on protein function have been reported. No submitters have cited clinical-significance assessments for this variant to ClinVar. Based on the evidence outlined above, the variant was classified as likely benign.

NM_021830.5(TWNK):c.636G>T (p.Gly212=)

Gene: TWNK (twinkle mtDNA helicase; plus strand). Cytogenetic location: 10q24.31.
Variant type: single nucleotide variant.
Coding change: c.636G>T on transcript NM_021830.5 (MANE Select); coding-DNA position 636, G replaced by T.
Protein change: p.Gly212=; no amino-acid change (glycine 212 retained).
Molecular consequence: synonymous variant. On other transcripts: non-coding transcript variant (4), intron variant (3).
Genome position (GRCh38, 1-based): chr10:100,988,846, G>T. VCF-style: chr10-100988846-G-T. GRCh37 (hg19) VCF-style: chr10-102748603-G-T.
Other names: c.636G>T, p.Gly212= (NM_001163812.2); c.-119-798G>T (NM_001163814.2, NM_001163813.2); c.-57-860G>T (NM_001368275.1).
Identifiers: ClinVar variation 3768642 (VCV003768642.1).